The following is an entry in ClinVar:

NM_001372.4(DNAH9):c.10971+10_10971+12del

Genes: DNAH9 (dynein axonemal heavy chain 9; plus strand), LOC101928350 (uncharacterized LOC101928350; minus strand). Cytogenetic location: 17p12.
Variant type: Microsatellite.
Coding change: c.10971+10_10971+12del on transcript NM_001372.4 (MANE Select); bases 10 to 12 of the intron after coding-DNA position 10971, 3 bases deleted (CTC; older notation c.10971+10_10971+12delCTC).
Molecular consequence: intron variant.
Genome position (GRCh38, 1-based): chr17:11,883,760-11,883,762, CTC deleted; deleting any 3 consecutive bases within chr17:11,883,757-11,883,762 gives the same sequence; the c. name uses the placement nearest the transcript's 3' end. VCF-style (leftmost placement, unchanged base first): chr17-11883756-ACTC-A. GRCh37 (hg19) VCF-style: chr17-11787073-ACTC-A.
Other names: p.?; c.10971+10_10971+12delCTC (NM_001372.3); c.-94+10_-94+12del (NM_004662.2).
Identifiers: ClinVar variation 1587767 (VCV001587767.12), dbSNP rs112708007, ClinGen allele CA8397677.

ClinVar aggregate classification (germline): Benign/Likely benign. Review status: criteria provided, multiple submitters, no conflicts (2 of 4 stars). 4 submissions from 4 submitters: Benign (2); Likely benign (1). 1 of the submissions does not count toward it. Last evaluated 2026-01-22.

Conditions:
DNAH9-related disorder. Also called: DNAH9-related condition.
Ciliary dyskinesia, primary, 40. Also called: CILIARY DYSKINESIA, PRIMARY, 40, WITH OR WITHOUT SITUS INVERSUS. Identifiers: MedGen C4749028, MONDO:0032664, OMIM 618300.

Submissions (4):

Labcorp Genetics (formerly Invitae), Labcorp
Classification: Benign. Last evaluated: 2026-01-22. Review status: criteria provided, single submitter. Criteria: Invitae Variant Classification Sherloc (09022015). Collection method: clinical testing. Allele origin: germline.

Mayo Clinic Laboratories, Mayo Clinic
Classification: Benign. Last evaluated: 2025-10-18. Review status: criteria provided, single submitter. Criteria: ACMG Guidelines, 2015. Collection method: clinical testing. Allele origin: germline. Observed: 1 variant allele.
Comment: BS1, BS2, BP4, BP7

Fulgent Genetics
Classification: Likely benign for Ciliary dyskinesia, primary, 40. Last evaluated: 2021-07-08. Review status: criteria provided, single submitter. Criteria: ACMG Guidelines, 2015. Collection method: clinical testing. Allele origin: unknown.

PreventionGenetics, part of Exact Sciences
Classification: Benign for DNAH9-related condition. Last evaluated: 2019-07-31. Review status: no assertion criteria provided. Collection method: clinical testing. Allele origin: germline. Not counted in ClinVar's aggregate classification.
Comment: This variant is classified as benign based on ACMG/AMP sequence variant interpretation guidelines (Richards et al. 2015 PMID: 25741868, with internal and published modifications).